The following is an entry in ClinVar:

ClinVar aggregate classification (germline): Uncertain significance (1 of 4 stars; one submission).

Submission:

Dasa
Classification: Uncertain significance. Last evaluated: 2024-11-06. Review status: criteria provided, single submitter. Criteria: DASA Assertion Criteria. Collection method: clinical testing. Allele origin: germline.
Comment: NM_138711.6(PPARG):c.923A>G (p.Asp308Gly) is a missense variant that results in the substitution of aspartic acid with glycine. This variant is absent from population databases. Computational prediction algorithms are consistent with a deleterious effect. The currently available literature and clinical evidence are not sufficient to establish a definitive association between this variant and the reported condition. Therefore, this variant is classified as a variant of uncertain significance.

NM_138711.6(PPARG):c.923A>G (p.Asp308Gly)

Gene: PPARG (peroxisome proliferator activated receptor gamma; plus strand). Cytogenetic location: 3p25.2.
Variant type: single nucleotide variant.
Coding change: c.923A>G on transcript NM_138711.6 (MANE Select); coding-DNA position 923, A replaced by G.
Protein change: p.Asp308Gly; replaces aspartic acid 308 with glycine.
Molecular consequence: missense variant. On other transcripts: intron variant (5).
Genome position (GRCh38, 1-based): chr3:12,416,897, A>G. VCF-style: chr3-12416897-A-G. GRCh37 (hg19) VCF-style: chr3-12458396-A-G.
Other names: c.923A>G, p.Asp308Gly (NM_001354666.3, NM_001354667.3, NM_001374263.2 and 3 more transcripts); c.296A>G, p.Asp99Gly (NM_001354669.2); c.1013A>G, p.Asp338Gly (NM_015869.5); c.729+10816A>G (NM_001374261.3, NM_001374262.3, NM_001330615.4); c.653+10898A>G (NM_001374266.1); c.819+10816A>G (NM_001374265.1); short protein forms D308G, D338G, D99G.
Identifiers: ClinVar variation 4882072 (VCV004882072.2).
Genomic context (GRCh38, chr3:12,416,897, plus strand): 5'-TGGAGGCTGTGCAGGAGATCACAGAGTATGCCAAAAGCATTCCTGGTTTTGTAAATCTTG[A>G]CTTGAACGACCAAGTAACTCTCCTCAAATATGGAGTCCACGAGATCATTTACACAATGCT-3'
Protein context (NP_619725.3, residues 298-318): AKSIPGFVNL[Asp308Gly]LNDQVTLLKY